The following is an entry in ClinVar:

ClinVar aggregate classification (germline): Likely pathogenic (1 of 4 stars; one submission).

Conditions:
Nemaline myopathy. Also called: Myopathies, Nemaline. Identifiers: Orphanet 607, MedGen C0206157, MONDO:0018958.

Submission:

Broad Center for Mendelian Genomics, Broad Institute of MIT and Harvard
Classification: Likely pathogenic for Nemaline myopathy. Last evaluated: 2025-02-25. Review status: criteria provided, single submitter. Criteria: ACMG Guidelines, 2015. Collection method: curation. Allele origin: germline. Inheritance: Autosomal recessive inheritance.
Comment: The p.Glu8278ArgfsTer2 variant in NEB has been reported in one individual, in the compound heterozygous state, with nemaline myopathy (PMID: 35586607), and has been identified in 0.000085% (1/1179032) of European (non-Finnish) chromosomes by the Genome Aggregation Database (gnomAD). Although this variant has been seen in the general population in a heterozygous state, its frequency is low enough to be consistent with a recessive carrier frequency. It is of note that this variant occurs in a homopolymer repeat, which could indicate that it exists as an artifact from sequencing. However, disease-causing variants have been reported in homopolymer regions, so this is not enough to rule out a pathogenic role. This variant is predicted to cause a frameshift, which alters the protein‚Äôs amino acid sequence beginning at position 8278 and leads to a premature termination codon 2 amino acids downstream. This alteration is then predicted to lead to a truncated or absent protein. Loss of function of the NEB gene is an established disease mechanism in autosomal recessive nemaline myopathy. In summary, although additional studies are required to fully establish its clinical significance, this variant is likely pathogenic for autosomal recessive nemaline myopathy. ACMG/AMP Criteria applied: PVS1, PM2_supporting (Richards 2015).

NM_001164508.2(NEB):c.24831del (p.Glu8278fs)

Genes: NEB (nebulin; minus strand), RIF1 (replication timing regulatory factor 1; plus strand). Cytogenetic location: 2q23.3.
Variant type: Deletion.
Coding change: c.24831del on transcript NM_001164508.2 (MANE Select); coding-DNA position 24831, one base deleted (C; older notation c.24831delC).
Protein change: p.Glu8278fs; shifts the reading frame from glutamic acid 8278.
Molecular consequence: frameshift variant.
Genome position (GRCh38, 1-based): chr2:151,492,429, G deleted on the plus strand (C on the coding strand, the reverse complement: NEB is on the minus strand); the first of 5 consecutive G bases (chr2:151,492,429-151,492,433); deleting any one gives the same sequence. VCF-style (leftmost placement, unchanged base first): chr2-151492428-CG-C. GRCh37 (hg19) VCF-style: chr2-152348942-CG-C.
Other names: NM_001164508.2:c.24831del; c.24831del, p.Glu8278fs (NM_001164507.2); c.24936del, p.Glu8313fs (NM_001271208.2); c.19263del, p.Glu6422fs (NM_004543.5); short protein forms E6422fs, E8278fs, E8313fs.
Identifiers: ClinVar variation 3776959 (VCV003776959.1).